The following is an entry in ClinVar:

NM_004656.4(BAP1):c.122+5G>C

Gene: BAP1 (BRCA1 associated deubiquitinase 1; minus strand). Cytogenetic location: 3p21.1.
Variant type: single nucleotide variant.
Coding change: c.122+5G>C on transcript NM_004656.4 (MANE Select); 5 bases into the intron after coding-DNA position 122, G replaced by C.
Molecular consequence: intron variant.
Genome position (GRCh38, 1-based): chr3:52,409,549, C>G on the plus strand (G>C on the coding strand, the complement: BAP1 is on the minus strand). VCF-style: chr3-52409549-C-G. GRCh37 (hg19) VCF-style: chr3-52443565-C-G.
Identifiers: ClinVar variation 946518 (VCV000946518.8), dbSNP rs1578230320, ClinGen allele CA1139658128.

ClinVar aggregate classification (germline): Likely pathogenic. Review status: criteria provided, multiple submitters, no conflicts (2 of 4 stars). 2 submissions from 2 submitters: Likely pathogenic (2). Last evaluated 2022-02-02.

Conditions:
BAP1-related tumor predisposition syndrome (TPDS1). Also called: COMMON Syndrome; Tumor susceptibility linked to germline BAP1 mutations; BAP1 tumor predisposition syndrome; TUMOR PREDISPOSITION SYNDROME 1. Identifiers: Orphanet 289539, MedGen C3280492, MONDO:0013692, OMIM 614327.

Submissions (2):

GeneDx
Classification: Likely pathogenic. Last evaluated: 2022-02-02. Review status: criteria provided, single submitter. Criteria: GeneDx Variant Classification Process June 2021. Collection method: clinical testing. Allele origin: germline. Affected: yes.
Comment: Intronic +5 splice site variant predicted to result in a null allele in a gene for which loss-of-function is a known mechanism of disease (Chau 2019), and splice predictors support a deleterious effect; Not observed at significant frequency in large population cohorts (gnomAD); This variant is associated with the following publications: (PMID: 31382694)

Labcorp Genetics (formerly Invitae), Labcorp
Classification: Likely pathogenic for BAP1-related tumor predisposition syndrome. Last evaluated: 2019-08-29. Review status: criteria provided, single submitter. Criteria: Invitae Variant Classification Sherloc (09022015). Collection method: clinical testing. Allele origin: germline.
Comment: In summary, the currently available evidence indicates that the variant is pathogenic, but additional data are needed to prove that conclusively. Therefore, this variant has been classified as Likely Pathogenic. Nucleotide substitutions within the consensus splice site are a relatively common cause of aberrant splicing (PMID: 17576681, 9536098). Experimental studies have shown that this variant disrupts mRNA splicing (PMID: 31382694). This variant has been observed in several families with clinical features of BAP1 tumor predisposition syndrome (PMID: 31382694, Invitae). This variant is not present in population databases (ExAC no frequency). This sequence change falls in intron 3 of the BAP1 gene. It does not directly change the encoded amino acid sequence of the BAP1 protein, but it affects a nucleotide within the consensus splice site of the intron.

Literature cited by the submitters: PubMed 17576681 (cited by Labcorp Genetics (formerly Invitae), Labcorp); PubMed 9536098 (cited by Labcorp Genetics (formerly Invitae), Labcorp); PubMed 31382694 (cited by Labcorp Genetics (formerly Invitae), Labcorp).